The following is an entry in ClinVar:

NM_000535.7(PMS2):c.1858T>A (p.Phe620Ile)

Gene: PMS2 (PMS1 homolog 2, mismatch repair system component; minus strand). Cytogenetic location: 7p22.1.
Variant type: single nucleotide variant.
Coding change: c.1858T>A on transcript NM_000535.7 (MANE Select); coding-DNA position 1858, T replaced by A.
Protein change: p.Phe620Ile; replaces phenylalanine 620 with isoleucine.
Molecular consequence: missense variant. On other transcripts: non-coding transcript variant (1), intron variant (1).
Genome position (GRCh38, 1-based): chr7:5,986,907, A>T on the plus strand (T>A on the coding strand, the complement: PMS2 is on the minus strand). VCF-style: chr7-5986907-A-T. GRCh37 (hg19) VCF-style: chr7-6026538-A-T.
Other names: c.1453T>A, p.Phe485Ile (NM_001322003.2, NM_001322004.2, NM_001322005.2 and 16 more transcripts); c.1702T>A, p.Phe568Ile (NM_001322006.2, NM_001406870.1); c.1540T>A, p.Phe514Ile (NM_001322007.2, NM_001322008.2, NM_001406876.1 and 2 more transcripts); c.1297T>A, p.Phe433Ile (NM_001322010.2, NM_001406906.1, NM_001406907.1); c.925T>A, p.Phe309Ile (NM_001322011.2, NM_001322012.2); c.1285T>A, p.Phe429Ile (NM_001322013.2, NM_001406909.1); c.1858T>A, p.Phe620Ile (NM_001322014.2, NM_001406871.1, NM_001406872.1); c.1549T>A, p.Phe517Ile (NM_001322015.2, NM_001406875.1, NM_001406877.1 and 5 more transcripts); and 13 more; short protein forms F485I, F628I, F682I, F309I, F363I, F462I, F514I, F517I.
Identifiers: ClinVar variation 3890965 (VCV003890965.1).
Genomic context (GRCh38, chr7:5,986,907, plus strand): 5'-CACTTTGCTGTGCTTCATGATGTAACTGCTTTATTCGTTTAGCTAAAGAACTCATAGAAA[A>T]GTCCAGGGGCACAACTTTCTTATTAATTTTCACAGCTACATCAACCTGAGAGGCTGACAT-3'
Protein context (NP_000526.2, residues 610-630): KINKKVVPLD[Phe620Ile]SMSSLAKRIK

ClinVar aggregate classification (germline): Uncertain significance (1 of 4 stars; one submission).

Conditions:
Hereditary cancer-predisposing syndrome. Also called: Tumor predisposition; Neoplastic Syndromes, Hereditary; Hereditary Cancer Syndrome; Hereditary neoplastic syndrome. Identifiers: Orphanet 140162, MedGen C0027672, MeSH D009386, MONDO:0015356.

Submission:

Ambry Genetics
Classification: Uncertain significance for Hereditary cancer-predisposing syndrome. Last evaluated: 2024-12-13. Review status: criteria provided, single submitter. Criteria: Ambry Variant Classification Scheme 2023. Collection method: clinical testing. Allele origin: germline.
Comment: The p.F620I variant (also known as c.1858T>A), located in coding exon 11 of the PMS2 gene, results from a T to A substitution at nucleotide position 1858. The phenylalanine at codon 620 is replaced by isoleucine, an amino acid with highly similar properties. This amino acid position is conserved. In addition, the in silico prediction for this alteration is inconclusive. Based on the available evidence, the clinical significance of this variant remains unclear.